The following is an entry in ClinVar:

NM_000255.4(MMUT):c.2047C>T (p.Pro683Ser)

Gene: MMUT (methylmalonyl-CoA mutase; minus strand). Cytogenetic location: 6p12.3.
Variant type: single nucleotide variant.
Coding change: c.2047C>T on transcript NM_000255.4 (MANE Select); coding-DNA position 2047, C replaced by T.
Protein change: p.Pro683Ser; replaces proline 683 with serine.
Molecular consequence: missense variant.
Genome position (GRCh38, 1-based): chr6:49,435,533, G>A on the plus strand (C>T on the coding strand, the complement: MMUT is on the minus strand). VCF-style: chr6-49435533-G-A. GRCh37 (hg19) VCF-style: chr6-49403246-G-A.
Other names: short protein forms P683S.
Identifiers: ClinVar variation 1481697 (VCV001481697.6), dbSNP rs866763981, ClinGen allele CA138794536.

ClinVar aggregate classification (germline): Uncertain significance (1 of 4 stars; one submission).

Submission:

Labcorp Genetics (formerly Invitae), Labcorp
Classification: Uncertain significance. Last evaluated: 2023-08-30. Review status: criteria provided, single submitter. Criteria: Invitae Variant Classification Sherloc (09022015). Collection method: clinical testing. Allele origin: germline.
Comment: This sequence change replaces proline, which is neutral and non-polar, with serine, which is neutral and polar, at codon 683 of the MUT protein (p.Pro683Ser). This variant is not present in population databases (gnomAD no frequency). This variant has not been reported in the literature in individuals affected with MUT-related conditions. ClinVar contains an entry for this variant (Variation ID: 1481697). Advanced modeling of protein sequence and biophysical properties (such as structural, functional, and spatial information, amino acid conservation, physicochemical variation, residue mobility, and thermodynamic stability) performed at Invitae indicates that this missense variant is expected to disrupt MUT protein function. In summary, the available evidence is currently insufficient to determine the role of this variant in disease. Therefore, it has been classified as a Variant of Uncertain Significance.